The following is an entry in ClinVar:

NM_177977.3(HAP1):c.63A>G (p.Ala21=)

Gene: HAP1 (huntingtin associated protein 1; minus strand). Cytogenetic location: 17q21.2.
Variant type: single nucleotide variant.
Coding change: c.63A>G on transcript NM_177977.3 (MANE Select); coding-DNA position 63, A replaced by G.
Protein change: p.Ala21=; no amino-acid change (alanine 21 retained).
Molecular consequence: synonymous variant.
Genome position (GRCh38, 1-based): chr17:41,734,572, T>C on the plus strand (A>G on the coding strand, the complement: HAP1 is on the minus strand). VCF-style: chr17-41734572-T-C. GRCh37 (hg19) VCF-style: chr17-39890824-T-C.
Other names: c.63A>G, p.Ala21= (NM_001079870.1, NM_001079871.1, NM_001367459.1 and 3 more transcripts).
Identifiers: ClinVar variation 3043171 (VCV003043171.2), dbSNP rs1555592335, ClinGen allele CA500015975.
Genomic context (GRCh38, chr17:41,734,572, plus strand): 5'-CGGCTGCGCAGAGGGCTCCGGAGCGGGACTGGCTGAGGGCGAAGGTGCACAGGTGAGTGC[T>C]GCTGGGTCCCCGGGTCCGAGCCGGCTCCCCGCGCAGCACCGGCCCAACCTCTTCGGGCGC-3'
Protein context (NP_817084.2, residues 11-31): AGSRLGPGDP[Ala21=]ALTCAPSPSA

ClinVar aggregate classification (germline): Likely benign (0 of 4 stars; one submission).

Conditions:
HAP1-related disorder. Also called: HAP1-related condition.

Allele frequency attached by ClinVar (database versions not stated): TOPMed below 0.00001; gnomAD 0.00001.
gnomAD v4.1: 8 of 1,597,168 alleles (0.0005%); highest among the groups gnomAD compares: Middle Eastern, 0.017%; no homozygotes.

Submission:

PreventionGenetics, part of Exact Sciences
Classification: Likely benign for HAP1-related condition. Last evaluated: 2019-06-27. Review status: no assertion criteria provided. Collection method: clinical testing. Allele origin: germline.
Comment: This variant is classified as likely benign based on ACMG/AMP sequence variant interpretation guidelines (Richards et al. 2015 PMID: 25741868, with internal and published modifications).